The following is an entry in ClinVar:

ClinVar aggregate classification (germline): Benign. Review status: criteria provided, multiple submitters, no conflicts (2 of 4 stars). 5 submissions from 5 submitters: Benign (5). Last evaluated 2026-02-03.

Conditions:
Hyperprolinemia type 2 (HYRPRO2). Also called: 1-PYRROLINE-5-CARBOXYLATE DEHYDROGENASE DEFICIENCY; Deficiency of pyrroline-5-carboxylate reductase; Delta-1-pyrroline-5-carboxylate dehydrogenase deficiency. Identifiers: Orphanet 79101, MedGen C2931835, MONDO:0009401, OMIM 239510.

Allele frequency attached by ClinVar (database versions not stated): ESP Exome Variant Server 0.45471; gnomAD 0.47295 and 0.47636; gnomAD exomes 0.48077 and 0.51173; TOPMed 0.49228; ExAC 0.50694; 1000 Genomes Project 0.51597; 1000 Genomes Project 30x 0.51983.
gnomAD v4.1: 774,845 of 1,612,090 alleles (48%); highest among the groups gnomAD compares: Admixed American, 67%; 188,387 homozygotes.

Submissions (5):

Labcorp Genetics (formerly Invitae), Labcorp
Classification: Benign for Hyperprolinemia type 2. Last evaluated: 2026-02-03. Review status: criteria provided, single submitter. Criteria: Invitae Variant Classification Sherloc (09022015). Collection method: clinical testing. Allele origin: germline.

Genome-Nilou Lab
Classification: Benign for Hyperprolinemia type 2. Last evaluated: 2021-07-14. Review status: criteria provided, single submitter. Criteria: ACMG Guidelines, 2015. Collection method: clinical testing. Allele origin: germline. Affected: no.

GeneDx
Classification: Benign. Last evaluated: 2019-05-02. Review status: criteria provided, single submitter. Criteria: GeneDx Variant Classification Process June 2021. Collection method: clinical testing. Allele origin: germline. Affected: yes.

Illumina Laboratory Services, Illumina
Classification: Benign for Hyperprolinemia type 2. Last evaluated: 2018-01-13. Review status: criteria provided, single submitter. Criteria: ICSL Variant Classification Criteria 13 December 2019. Collection method: clinical testing. Allele origin: germline.
Comment: This variant was observed in the ICSL laboratory as part of a predisposition screen in an ostensibly healthy population. It had not been previously curated by ICSL or reported in the Human Gene Mutation Database (HGMD: prior to June 1st, 2018), and was therefore a candidate for classification through an automated scoring system. Utilizing variant allele frequency, disease prevalence and penetrance estimates, and inheritance mode, an automated score was calculated to assess if this variant is too frequent to cause the disease. Based on the score and internal cut-off values, a variant classified as benign is not then subjected to further curation. The score for this variant resulted in a classification of benign for this disease.

Breakthrough Genomics
Classification: Benign. Review status: criteria provided, single submitter. Criteria: ACMG Guidelines, 2015. Collection method: not provided. Allele origin: germline. Inheritance: Autosomal recessive inheritance. Affected: yes.

NM_003748.4(ALDH4A1):c.1251C>T (p.Ala417=)

Gene: ALDH4A1 (aldehyde dehydrogenase 4 family member A1; minus strand). Cytogenetic location: 1p36.13.
Variant type: single nucleotide variant.
Coding change: c.1251C>T on transcript NM_003748.4 (MANE Select); coding-DNA position 1251, C replaced by T.
Protein change: p.Ala417=; no amino-acid change (alanine 417 retained).
Molecular consequence: synonymous variant. On other transcripts: intron variant (1).
Genome position (GRCh38, 1-based): chr1:18,876,402, G>A on the plus strand (C>T on the coding strand, the complement: ALDH4A1 is on the minus strand). VCF-style: chr1-18876402-G-A. GRCh37 (hg19) VCF-style: chr1-19202896-G-A.
Other names: c.1071C>T, p.Ala357= (NM_001161504.2); c.1251C>T, p.Ala417= (NM_170726.3); c.1185+806C>T (NM_001319218.2).
Identifiers: ClinVar variation 294374 (VCV000294374.20), dbSNP rs2230707, ClinGen allele CA646983.
Genomic context (GRCh38, chr1:18,876,402, plus strand): 5'-CTTGCTCTCCACGATGCAGGGCTCCACAAAGTAGCCCACGGAGTCATCACACTTGCCCCC[G>A]GCCAGGATGGTGAGGCTGGGTGAGGAGCGTGCGTGCTCCAGCCACTTCTTGATACGGGCA-3'
Protein context (NP_003739.2, residues 407-427): ARSSPSLTIL[Ala417=]GGKCDDSVGY